The following is an entry in ClinVar:

ClinVar aggregate classification (germline): Uncertain significance (1 of 4 stars; one submission).

Conditions:
DSG2-related disorder. Also called: DSG2-related condition.

Submission:

PreventionGenetics, part of Exact Sciences
Classification: Uncertain significance for DSG2-related condition. Last evaluated: 2025-07-04. Review status: criteria provided, single submitter. Criteria: ACMG Guidelines, 2015. Collection method: clinical testing. Allele origin: germline.
Comment: The DSG2 c.3079T>G variant is predicted to result in the amino acid substitution p.Ser1027Ala. To our knowledge, this variant has not been reported in the literature or in a large population database (gnomAD), indicating this variant is rare. At this time, the clinical significance of this variant is uncertain due to the absence of conclusive functional and genetic evidence.

NM_001943.5(DSG2):c.3079T>G (p.Ser1027Ala)

Genes: DSG2 (desmoglein 2; plus strand), DSG2-AS1 (DSG2 antisense RNA 1; minus strand). Cytogenetic location: 18q12.1.
Variant type: single nucleotide variant.
Coding change: c.3079T>G on transcript NM_001943.5 (MANE Select); coding-DNA position 3079, T replaced by G.
Protein change: p.Ser1027Ala; replaces serine 1027 with alanine.
Molecular consequence: missense variant.
Genome position (GRCh38, 1-based): chr18:31,546,465, T>G. VCF-style: chr18-31546465-T-G. GRCh37 (hg19) VCF-style: chr18-29126428-T-G.
Other names: short protein forms S1027A.
Identifiers: ClinVar variation 5001274 (VCV005001274.1).